The following is an entry in ClinVar:

NM_000059.4(BRCA2):c.7903G>A (p.Glu2635Lys)

Gene: BRCA2 (BRCA2 DNA repair associated; plus strand). Cytogenetic location: 13q13.1.
Variant type: single nucleotide variant.
Coding change: c.7903G>A on transcript NM_000059.4 (MANE Select); coding-DNA position 7903, G replaced by A.
Protein change: p.Glu2635Lys; replaces glutamic acid 2635 with lysine.
Molecular consequence: missense variant.
Genome position (GRCh38, 1-based): chr13:32,362,620, G>A. VCF-style: chr13-32362620-G-A. GRCh37 (hg19) VCF-style: chr13-32936757-G-A.
Other names: c.7903G>A (NM_000059.3); short protein forms E2635K.
Identifiers: ClinVar variation 1348689 (VCV001348689.8), dbSNP rs2137577279, ClinGen allele CA387747151.

ClinVar aggregate classification (germline): Conflicting classifications of pathogenicity. Review status: criteria provided, conflicting classifications (1 of 4 stars). 3 submissions from 3 submitters: Likely pathogenic (1); Uncertain significance (2). Last evaluated 2026-02-06.

Conditions:
Hereditary cancer-predisposing syndrome. Also called: Hereditary neoplastic syndrome; Tumor predisposition; Neoplastic Syndromes, Hereditary; Hereditary Cancer Syndrome. Identifiers: Orphanet 140162, MedGen C0027672, MeSH D009386, MONDO:0015356.
Hereditary breast ovarian cancer syndrome. Also called: Hereditary breast and/or ovarian cancer syndrome; Hereditary breast and ovarian cancer; Breast and ovarian cancer; Hereditary breast and ovarian cancer syndrome (HBOC); BRCA1- and BRCA2-Associated Hereditary Breast and Ovarian Cancer; Hereditary breast and ovarian cancer syndrome. Identifiers: Orphanet 145, MedGen C0677776, MeSH D061325, MONDO:0003582. Disease mechanism: loss of function.

Submissions (3):

Ambry Genetics
Classification: Likely pathogenic for Hereditary cancer-predisposing syndrome. Last evaluated: 2026-02-06. Review status: criteria provided, single submitter. Criteria: Ambry Variant Classification Scheme 2023. Collection method: clinical testing. Allele origin: germline.
Comment: The p.E2635K variant (also known as c.7903G>A), located in coding exon 16 of the BRCA2 gene, results from a G to A substitution at nucleotide position 7903. The glutamic acid at codon 2635 is replaced by lysine, an amino acid with similar properties. Two saturation genome editing-based studies, including a haploid cell-survival assay and a humanized mouse embryonic stem cell line assay of drug response and survival, demonstrate that this nucleotide substitution is non-functional (Huang H et al. Nature. 2025 Feb;638(8050):528-537; Sahu S et al. Nature. 2025 Feb;638(8050):538-545). This amino acid position is highly conserved in available vertebrate species. In addition, this alteration is predicted to be deleterious by in silico analysis. This variant is considered to be rare based on population cohorts in the Genome Aggregation Database (gnomAD). Based on the majority of available evidence to date, this variant is likely to be pathogenic.

Labcorp Genetics (formerly Invitae), Labcorp
Classification: Uncertain significance for Hereditary breast ovarian cancer syndrome. Last evaluated: 2024-05-08. Review status: criteria provided, single submitter. Criteria: Invitae Variant Classification Sherloc (09022015). Collection method: clinical testing. Allele origin: germline.
Comment: This sequence change replaces glutamic acid, which is acidic and polar, with lysine, which is basic and polar, at codon 2635 of the BRCA2 protein (p.Glu2635Lys). This variant is not present in population databases (gnomAD no frequency). This variant has not been reported in the literature in individuals affected with BRCA2-related conditions. ClinVar contains an entry for this variant (Variation ID: 1348689). Advanced modeling of protein sequence and biophysical properties (such as structural, functional, and spatial information, amino acid conservation, physicochemical variation, residue mobility, and thermodynamic stability) has been performed at Invitae for this missense variant, however the output from this modeling did not meet the statistical confidence thresholds required to predict the impact of this variant on BRCA2 protein function. In summary, the available evidence is currently insufficient to determine the role of this variant in disease. Therefore, it has been classified as a Variant of Uncertain Significance.

Mendelics
Classification: Uncertain significance. Last evaluated: 2022-05-04. Review status: criteria provided, single submitter. Criteria: Mendelics Assertion Criteria 2019. Collection method: clinical testing. Allele origin: germline.

Literature cited by the submitters: PubMed 39779848 (cited by Ambry Genetics); PubMed 39779857 (cited by Ambry Genetics).